The following is an entry in ClinVar:

ClinVar aggregate classification (germline): Uncertain significance (1 of 4 stars; one submission).

Conditions:
Fanconi renotubular syndrome 3 (FRTS3). Identifiers: MedGen C3810100, MONDO:0014275, OMIM 615605.

gnomAD v4.1: 4 of 1,613,794 alleles (0.00025%); highest among the groups gnomAD compares: Admixed American, 0.0017%; no homozygotes.

Submission:

Dasa
Classification: Uncertain significance for Fanconi renotubular syndrome 3. Last evaluated: 2025-09-20. Review status: criteria provided, single submitter. Criteria: DASA Assertion Criteria. Collection method: clinical testing. Allele origin: germline.
Comment: NM_001966.4(EHHADH):c.614G>A (p.Ser205Asn) is a missense variant that results in the substitution of serine with asparagine. This variant is rare in population databases. The currently available literature and clinical evidence are not sufficient to establish a definitive association between this variant and the reported condition. Therefore, this variant is classified as a variant of uncertain significance.

NM_001966.4(EHHADH):c.614G>A (p.Ser205Asn)

Gene: EHHADH (enoyl-CoA hydratase and 3-hydroxyacyl CoA dehydrogenase; minus strand). Cytogenetic location: 3q27.2.
Variant type: single nucleotide variant.
Coding change: c.614G>A on transcript NM_001966.4 (MANE Select); coding-DNA position 614, G replaced by A.
Protein change: p.Ser205Asn; replaces serine 205 with asparagine.
Molecular consequence: missense variant.
Genome position (GRCh38, 1-based): chr3:185,204,712, C>T on the plus strand (G>A on the coding strand, the complement: EHHADH is on the minus strand). VCF-style: chr3-185204712-C-T. GRCh37 (hg19) VCF-style: chr3-184922500-C-T.
Other names: c.326G>A, p.Ser109Asn (NM_001166415.2); short protein forms S109N, S205N.
Identifiers: ClinVar variation 4882200 (VCV004882200.2).